The following is an entry in ClinVar:

NM_020975.6(RET):c.769C>T (p.Pro257Ser)

Gene: RET (ret proto-oncogene; plus strand). Cytogenetic location: 10q11.21.
Variant type: single nucleotide variant.
Coding change: c.769C>T on transcript NM_020975.6 (MANE Select); coding-DNA position 769, C replaced by T.
Protein change: p.Pro257Ser; replaces proline 257 with serine.
Molecular consequence: missense variant. On other transcripts: intron variant (22).
Genome position (GRCh38, 1-based): chr10:43,105,095, C>T. VCF-style: chr10-43105095-C-T. GRCh37 (hg19) VCF-style: chr10-43600543-C-T.
Other names: c.769C>T, p.Pro257Ser (NM_000323.2, NM_001406743.1, NM_001406744.1 and 8 more transcripts); c.7C>T, p.Pro3Ser (NM_001355216.2); c.640C>T, p.Pro214Ser (NM_001406761.1, NM_001406762.1, NM_001406764.1 and 2 more transcripts); c.481C>T, p.Pro161Ser (NM_001406766.1, NM_001406767.1, NM_001406770.1); c.625+2466C>T (NM_001406773.1, NM_001406771.1, NM_001406782.1 and 5 more transcripts); c.496+2466C>T (NM_001406786.1, NM_001406783.1); c.338-3936C>T (NM_001406778.1, NM_001406775.1, NM_001406776.1 and 1 more transcripts); c.337+4373C>T (NM_001406790.1, NM_001406788.1, NM_001406789.1 and 1 more transcripts); and 2 more; short protein forms P257S, P3S, P161S, P214S.
Identifiers: ClinVar variation 2813925 (VCV002813925.3), dbSNP rs773964804, ClinGen allele CA376544970.

ClinVar aggregate classification (germline): Uncertain significance (1 of 4 stars; one submission).

Conditions:
Multiple endocrine neoplasia, type 2 (MEN2). Identifiers: Orphanet 653, MedGen C4048306, MONDO:0019003. Disease mechanism: gain of function.

Submission:

Labcorp Genetics (formerly Invitae), Labcorp
Classification: Uncertain significance for Multiple endocrine neoplasia, type 2. Last evaluated: 2023-09-28. Review status: criteria provided, single submitter. Criteria: Invitae Variant Classification Sherloc (09022015). Collection method: clinical testing. Allele origin: germline.
Comment: This variant has not been reported in the literature in individuals affected with RET-related conditions. In summary, the available evidence is currently insufficient to determine the role of this variant in disease. Therefore, it has been classified as a Variant of Uncertain Significance. Algorithms developed to predict the effect of missense changes on protein structure and function output the following: SIFT: "Not Available"; PolyPhen-2: "Benign"; Align-GVGD: "Not Available". The serine amino acid residue is found in multiple mammalian species, which suggests that this missense change does not adversely affect protein function. This variant is not present in population databases (gnomAD no frequency). This sequence change replaces proline, which is neutral and non-polar, with serine, which is neutral and polar, at codon 257 of the RET protein (p.Pro257Ser).